The following is an entry in ClinVar:

ClinVar aggregate classification (germline): Pathogenic (1 of 4 stars; one submission).

Submission:

Labcorp Genetics (formerly Invitae), Labcorp
Classification: Pathogenic. Last evaluated: 2022-08-16. Review status: criteria provided, single submitter. Criteria: Invitae Variant Classification Sherloc (09022015). Collection method: clinical testing. Allele origin: germline.
Comment: For these reasons, this variant has been classified as Pathogenic. ClinVar contains an entry for this variant (Variation ID: 1453437). This premature translational stop signal has been observed in individual(s) with clinical features of DDR2-related conditions (Invitae). This variant is not present in population databases (gnomAD no frequency). This sequence change creates a premature translational stop signal (p.Gly38Glufs*46) in the DDR2 gene. It is expected to result in an absent or disrupted protein product. Loss-of-function variants in DDR2 are known to be pathogenic (PMID: 29884795, 11375938, Invitae).

Literature cited by the submitters: PubMed 29884795; PubMed 11375938.

NM_006182.4(DDR2):c.111del (p.Gly38fs)

Gene: DDR2 (discoidin domain receptor tyrosine kinase 2; plus strand). Cytogenetic location: 1q23.3.
Variant type: Deletion.
Coding change: c.111del on transcript NM_006182.4 (MANE Select); coding-DNA position 111, one base deleted (A; older notation c.111delA).
Protein change: p.Gly38fs; shifts the reading frame from glycine 38.
Molecular consequence: frameshift variant.
Genome position (GRCh38, 1-based): chr1:162,753,123, A deleted. VCF-style (leftmost placement, unchanged base first): chr1-162753122-CA-C. GRCh37 (hg19) VCF-style: chr1-162722912-CA-C.
Other names: c.111del, p.Gly38fs (NM_001014796.3, NM_001354982.2, NM_001354983.2); short protein forms G38fs.
Identifiers: ClinVar variation 1453437 (VCV001453437.6), dbSNP rs2102127825, ClinGen allele CA2573131219.